The following is an entry in ClinVar:

NM_002386.4(MC1R):c.491C>G (p.Ala164Gly)

Gene: MC1R (melanocortin 1 receptor; plus strand). Cytogenetic location: 16q24.3.
Variant type: single nucleotide variant.
Coding change: c.491C>G on transcript NM_002386.4 (MANE Select); coding-DNA position 491, C replaced by G.
Protein change: p.Ala164Gly; replaces alanine 164 with glycine.
Molecular consequence: missense variant.
Genome position (GRCh38, 1-based): chr16:89,919,749, C>G. VCF-style: chr16-89919749-C-G. GRCh37 (hg19) VCF-style: chr16-89986157-C-G.
Other names: short protein forms A164G.
Identifiers: ClinVar variation 2852591 (VCV002852591.3), dbSNP rs2544609682, ClinGen allele CA397461531.

ClinVar aggregate classification (germline): Uncertain significance (1 of 4 stars; one submission).

Conditions:
Melanoma, cutaneous malignant, susceptibility to, 5. Also called: Cutaneous malignant melanoma 5. Identifiers: Orphanet 618, MedGen C2751295, MONDO:0013133, OMIM 613099.

Submission:

Labcorp Genetics (formerly Invitae), Labcorp
Classification: Uncertain significance for Melanoma, cutaneous malignant, susceptibility to, 5. Last evaluated: 2023-04-06. Review status: criteria provided, single submitter. Criteria: Invitae Variant Classification Sherloc (09022015). Collection method: clinical testing. Allele origin: germline.
Comment: This sequence change replaces alanine, which is neutral and non-polar, with glycine, which is neutral and non-polar, at codon 164 of the MC1R protein (p.Ala164Gly). This variant is not present in population databases (gnomAD no frequency). This variant has not been reported in the literature in individuals affected with MC1R-related conditions. Advanced modeling of protein sequence and biophysical properties (such as structural, functional, and spatial information, amino acid conservation, physicochemical variation, residue mobility, and thermodynamic stability) performed at Invitae indicates that this missense variant is not expected to disrupt MC1R protein function. In summary, the available evidence is currently insufficient to determine the role of this variant in disease. Therefore, it has been classified as a Variant of Uncertain Significance.